The following is an entry in ClinVar:

ClinVar aggregate classification (germline): Pathogenic (1 of 4 stars; one submission).

Conditions:
Melanoma, cutaneous malignant, susceptibility to, 8. Also called: MELANOMA AND RENAL CELL CARCINOMA, SUSCEPTIBILITY TO; Cutaneous malignant melanoma 8. Identifiers: Orphanet 293822, MedGen C3152204, MONDO:0013759, OMIM 614456.
Tietz syndrome (TADS). Also called: TIETZ ALBINISM-DEAFNESS SYNDROME; ALBINISM-DEAFNESS OF TIETZ; HYPOPIGMENTATION/DEAFNESS OF TIETZ. Identifiers: Orphanet 42665, MedGen C0391816, MONDO:0007077, OMIM 103500.
Waardenburg syndrome type 2A (WS2A). Also called: WAARDENBURG SYNDROME WITHOUT DYSTOPIA CANTHORUM. Identifiers: Orphanet 3440, MedGen C1860339, MONDO:0008671, OMIM 193510.

Submission:

Labcorp Genetics (formerly Invitae), Labcorp
Classification: Pathogenic for Melanoma, cutaneous malignant, susceptibility to, 8; Waardenburg syndrome type 2A; Tietz syndrome. Last evaluated: 2025-10-08. Review status: criteria provided, single submitter. Criteria: Invitae Variant Classification Sherloc (09022015). Collection method: clinical testing. Allele origin: germline.
Comment: This sequence change creates a premature translational stop signal (p.Ser112Argfs*9) in the MITF gene. It is expected to result in an absent or disrupted protein product. Loss-of-function variants in MITF are known to be pathogenic (PMID: 8659547, 20127975). This variant is not present in population databases (gnomAD no frequency). This variant has not been reported in the literature in individuals affected with MITF-related conditions. For these reasons, this variant has been classified as Pathogenic.

Literature cited by the submitters: PubMed 8659547; PubMed 20127975.

NM_001354604.2(MITF):c.653_654dup (p.Ser219fs)

Gene: MITF (melanocyte inducing transcription factor; plus strand). Cytogenetic location: 3p13.
Variant type: Duplication.
Coding change: c.653_654dup on transcript NM_001354604.2 (MANE Select); coding-DNA positions 653 to 654, 2 bases duplicated (CG; older notation c.653_654dupCG).
Protein change: p.Ser219fs; shifts the reading frame from serine 219.
Molecular consequence: frameshift variant.
Genome position (GRCh38, 1-based): chr3:69,939,168-69,939,169, CG duplicated; duplicating any 2 consecutive bases within chr3:69,939,167-69,939,169 gives the same sequence; the c. name uses the placement nearest the transcript's 3' end. VCF-style (leftmost placement, unchanged base first): chr3-69939166-A-AGC. GRCh37 (hg19) VCF-style: chr3-69988317-A-AGC.
Other names: c.332_333dup, p.Ser112fs (NM_000248.4, NM_198158.3); c.497_498dup, p.Ser167fs (NM_001184967.2, NM_001354608.2); c.650_651dup, p.Ser218fs (NM_001354605.2, NM_001354606.2, NM_006722.3); c.602_603dup, p.Ser202fs (NM_001354607.2); c.653_654dup, p.Ser219fs (NM_198159.3); c.605_606dup, p.Ser203fs (NM_198177.3); c.164_165dup, p.Ser56fs (NM_198178.3); short protein forms S167fs, S203fs, S112fs, S56fs, S202fs, S218fs, S219fs.
Identifiers: ClinVar variation 4786352 (VCV004786352.1).